The following is an entry in ClinVar:

NM_002608.4(PDGFB):c.589C>T (p.Gln197Ter)

Gene: PDGFB (platelet derived growth factor subunit B; minus strand). Cytogenetic location: 22q13.1.
Variant type: single nucleotide variant.
Coding change: c.589C>T on transcript NM_002608.4 (MANE Select); coding-DNA position 589, C replaced by T.
Protein change: p.Gln197Ter; replaces glutamine 197 with a stop codon.
Molecular consequence: nonsense.
Genome position (GRCh38, 1-based): chr22:39,230,096, G>A on the plus strand (C>T on the coding strand, the complement: PDGFB is on the minus strand). VCF-style: chr22-39230096-G-A. GRCh37 (hg19) VCF-style: chr22-39626101-G-A.
Other names: c.544C>T, p.Gln182Ter (NM_033016.3); short protein forms Q182*, Q197*.
Identifiers: ClinVar variation 2030849 (VCV002030849.4), dbSNP rs2517759734, ClinGen allele CA411599385.
Genomic context (GRCh38, chr22:39,230,096, plus strand): 5'-CTGCTGCAGGGGAAGGGGGCTGAGGGCTGAGCCTGGAAAGGTGGTTACCTCGCTGCTCCT[G>A]GGAACCCCCCGGGCTTCGGGTCACAGGCCGTGCAGCTGCCACTGTCTCACACTTGCATGC-3'

ClinVar aggregate classification (germline): Pathogenic (1 of 4 stars; one submission).

Submission:

Labcorp Genetics (formerly Invitae), Labcorp
Classification: Pathogenic. Last evaluated: 2022-09-16. Review status: criteria provided, single submitter. Criteria: Invitae Variant Classification Sherloc (09022015). Collection method: clinical testing. Allele origin: germline.
Comment: For these reasons, this variant has been classified as Pathogenic. This variant has not been reported in the literature in individuals affected with PDGFB-related conditions. This variant is not present in population databases (gnomAD no frequency). This sequence change creates a premature translational stop signal (p.Gln197*) in the PDGFB gene. It is expected to result in an absent or disrupted protein product. Loss-of-function variants in PDGFB are known to be pathogenic (PMID: 23913003, 26599395).

Literature cited by the submitters: PubMed 23913003; PubMed 26599395.